The following is an entry in ClinVar:

NM_001353345.2(SETD1B):c.2756A>T (p.Glu919Val)

Gene: SETD1B (SET domain containing 1B, histone lysine methyltransferase; plus strand). Cytogenetic location: 12q24.31.
Variant type: single nucleotide variant.
Coding change: c.2756A>T on transcript NM_001353345.2 (MANE Select); coding-DNA position 2756, A replaced by T.
Protein change: p.Glu919Val; replaces glutamic acid 919 with valine.
Molecular consequence: missense variant.
Genome position (GRCh38, 1-based): chr12:121,817,073, A>T. VCF-style: chr12-121817073-A-T. GRCh37 (hg19) VCF-style: chr12-122254979-A-T.
Other names: short protein forms E919V.
Identifiers: ClinVar variation 5009214 (VCV005009214.1).
Genomic context (GRCh38, chr12:121,817,073, plus strand): 5'-CCCTCCTGTCTCCACCCCAGGCCTCGCTGACCCCGGTGAAGTCGGGCGAGCACAAGGACG[A>T]GGACAGGCCGAAGCCCAAGGACCGCATCGCCTCGTGCCTGCTGGAGTCATGGGGCAAGGG-3'
Protein context (NP_001340274.1, residues 909-929): TPVKSGEHKD[Glu919Val]DRPKPKDRIA

ClinVar aggregate classification (germline): Uncertain significance (1 of 4 stars; one submission).

Submission:

GeneDx
Classification: Uncertain significance. Last evaluated: 2026-02-14. Review status: criteria provided, single submitter. Criteria: GeneDx Variant Classification Process June 2021. Collection method: clinical testing. Allele origin: germline.
Comment: Not observed at significant frequency in large population cohorts (gnomAD); In silico analysis supports that this missense variant has a deleterious effect on protein structure/function; Has not been previously published as pathogenic or benign to our knowledge